The following is an entry in ClinVar:

ClinVar aggregate classification (germline): Benign/Likely benign. Review status: criteria provided, multiple submitters, no conflicts (2 of 4 stars). 4 submissions from 4 submitters: Benign (2); Likely benign (1). 1 of the submissions does not count toward it. Last evaluated 2026-07-01.

Allele frequency attached by ClinVar (database versions not stated): ESP Exome Variant Server 0.00023; TOPMed 0.00053; gnomAD 0.00070; 1000 Genomes Project 30x 0.00750; 1000 Genomes Project 0.00879.
gnomAD v4.1: 3,166 of 1,605,798 alleles (0.2%); highest among the groups gnomAD compares: South Asian, 2.6%; 71 homozygotes.

Submissions (4):

CeGaT Center for Human Genetics Tuebingen
Classification: Likely benign. Last evaluated: 2026-07-01. Review status: criteria provided, single submitter. Criteria: CeGaT Center For Human Genetics Tuebingen Variant Classification Criteria Version 2. Collection method: clinical testing. Allele origin: germline. Affected: yes. Observed: 9 variant alleles.
Comment: KMT2C: PM5, BS1, BS2

Labcorp Genetics (formerly Invitae), Labcorp
Classification: Benign. Last evaluated: 2025-06-12. Review status: criteria provided, single submitter. Criteria: Invitae Variant Classification Sherloc (09022015). Collection method: clinical testing. Allele origin: germline.

Breakthrough Genomics
Classification: Benign. Review status: criteria provided, single submitter. Criteria: ACMG Guidelines, 2015. Collection method: not provided. Allele origin: germline. Inheritance: Autosomal dominant inheritance. Affected: yes.

ITMI
No classification provided. Condition: AllHighlyPenetrant. Last evaluated: 2013-09-19. Review status: no classification provided. Collection method: reference population. Allele origin: germline. Not counted in ClinVar's aggregate classification.
Comment: Please see associated publication for description of ethnicities

Literature cited by the submitters: PubMed 24728327 (cited by ITMI).

NM_170606.3(KMT2C):c.9245C>T (p.Pro3082Leu)

Gene: KMT2C (lysine methyltransferase 2C; minus strand). Cytogenetic location: 7q36.1.
Variant type: single nucleotide variant.
Coding change: c.9245C>T on transcript NM_170606.3 (MANE Select); coding-DNA position 9245, C replaced by T.
Protein change: p.Pro3082Leu; replaces proline 3082 with leucine.
Molecular consequence: missense variant.
Genome position (GRCh38, 1-based): chr7:152,176,208, G>A on the plus strand (C>T on the coding strand, the complement: KMT2C is on the minus strand). VCF-style: chr7-152176208-G-A. GRCh37 (hg19) VCF-style: chr7-151873293-G-A.
Other names: short protein forms P3082L.
Identifiers: ClinVar variation 134778 (VCV000134778.33), dbSNP rs61730545, ClinGen allele CA160727.
Genomic context (GRCh38, chr7:152,176,208, plus strand): 5'-AATACCCATAGTAATATACGTTGAGACTCAAGAAAACTCCTACCAATATTAGGGAAGAAC[G>A]GTTCTGATCGCTGACGAATCATGGCTTGCATCTGTCTTTGCTGCTGCTGTTCTTGCCTTT-3'
Protein context (NP_733751.2, residues 3072-3092): MQAMIRQRSE[Pro3082Leu]FFPNIDFDAI